The following is an entry in ClinVar:

NM_001080421.3(UNC13A):c.2220G>A (p.Val740=)

Gene: UNC13A (unc-13 homolog A; minus strand). Cytogenetic location: 19p13.11.
Variant type: single nucleotide variant.
Coding change: c.2220G>A on transcript NM_001080421.3 (MANE Select); coding-DNA position 2220, G replaced by A.
Protein change: p.Val740=; no amino-acid change (valine 740 retained).
Molecular consequence: synonymous variant.
Genome position (GRCh38, 1-based): chr19:17,645,810, C>T on the plus strand (G>A on the coding strand, the complement: UNC13A is on the minus strand). VCF-style: chr19-17645810-C-T. GRCh37 (hg19) VCF-style: chr19-17756619-C-T.
Other names: p.Val740=; c.2214G>A, p.Val738= (NM_001387021.1, NM_001387022.1, NM_001387023.1).
Identifiers: ClinVar variation 717189 (VCV000717189.31), dbSNP rs201361019, ClinGen allele CA9298298.

ClinVar aggregate classification (germline): Likely benign. Review status: criteria provided, multiple submitters, no conflicts (2 of 4 stars). 5 submissions from 5 submitters: Likely benign (4). 1 of the submissions does not count toward it. Last evaluated 2026-08-01.

Conditions:
UNC13A-related disorder. Also called: UNC13A-related condition.

Allele frequency attached by ClinVar (database versions not stated): 1000 Genomes Project 30x 0.00031; gnomAD exomes 0.00080 and 0.00119; gnomAD 0.00086 and 0.00090; TOPMed 0.00086; ExAC 0.00097; ESP Exome Variant Server 0.00134.
gnomAD v4.1: 1,841 of 1,612,856 alleles (0.11%); highest among the groups gnomAD compares: Non-Finnish European, 0.15%; 6 homozygotes.

Submissions (5):

CeGaT Center for Human Genetics Tuebingen
Classification: Likely benign. Last evaluated: 2026-08-01. Review status: criteria provided, single submitter. Criteria: CeGaT Center For Human Genetics Tuebingen Variant Classification Criteria Version 2. Collection method: clinical testing. Allele origin: germline. Affected: yes. Observed: 2 variant alleles.
Comment: UNC13A: BP4, BP7

Mayo Clinic Laboratories, Mayo Clinic
Classification: Likely benign. Last evaluated: 2025-05-16. Review status: criteria provided, single submitter. Criteria: ACMG Guidelines, 2015. Collection method: clinical testing. Allele origin: germline. Observed: 2 variant alleles.
Comment: BP4, BP7

Labcorp Genetics (formerly Invitae), Labcorp
Classification: Likely benign. Last evaluated: 2019-12-31. Review status: criteria provided, single submitter. Criteria: Invitae Variant Classification Sherloc (09022015). Collection method: clinical testing. Allele origin: germline.

Breakthrough Genomics
Classification: Likely benign. Review status: criteria provided, single submitter. Criteria: ACMG Guidelines, 2015. Collection method: not provided. Allele origin: germline. Inheritance: Unknown mechanism. Affected: yes.

PreventionGenetics, part of Exact Sciences
Classification: Likely benign for UNC13A-related condition. Last evaluated: 2019-10-28. Review status: no assertion criteria provided. Collection method: clinical testing. Allele origin: germline. Not counted in ClinVar's aggregate classification.
Comment: This variant is classified as likely benign based on ACMG/AMP sequence variant interpretation guidelines (Richards et al. 2015 PMID: 25741868, with internal and published modifications).